The following is an entry in ClinVar:

NM_000051.4(ATM):c.692A>T (p.His231Leu)

Gene: ATM (ATM serine/threonine kinase; plus strand). Cytogenetic location: 11q22.3.
Variant type: single nucleotide variant.
Coding change: c.692A>T on transcript NM_000051.4 (MANE Select); coding-DNA position 692, A replaced by T.
Protein change: p.His231Leu; replaces histidine 231 with leucine.
Molecular consequence: missense variant.
Genome position (GRCh38, 1-based): chr11:108,244,817, A>T. VCF-style: chr11-108244817-A-T. GRCh37 (hg19) VCF-style: chr11-108115544-A-T.
Other names: c.692A>T, p.His231Leu (NM_001351834.2); short protein forms H231L.
Identifiers: ClinVar variation 964354 (VCV000964354.13), dbSNP rs587782229, ClinGen allele CA382529081.
Genomic context (GRCh38, chr11:108,244,817, plus strand): 5'-TACCCAGTTGAGCTTGTTTGTTTCTTCACAGACAAGAAAAGAGCTCTTCAGGTCTAAATC[A>T]TATCTTAGCAGCTCTTACTATCTTCCTCAAGACTTTGGCTGTCAACTTTCGAATTCGAGT-3'
Protein context (NP_000042.3, residues 221-241): RQEKSSSGLN[His231Leu]ILAALTIFLK

ClinVar aggregate classification (germline): Conflicting classifications of pathogenicity. Review status: criteria provided, conflicting classifications (1 of 4 stars). 3 submissions from 3 submitters: Uncertain significance (2); Likely benign (1). Last evaluated 2024-11-20.

Conditions:
Hereditary cancer-predisposing syndrome. Also called: Hereditary neoplastic syndrome; Hereditary Cancer Syndrome; Tumor predisposition; Neoplastic Syndromes, Hereditary. Identifiers: Orphanet 140162, MedGen C0027672, MeSH D009386, MONDO:0015356.
Ataxia-telangiectasia syndrome (AT). Also called: ATAXIA-TELANGIECTASIA, FRESNO VARIANT; Ataxia-telangiectasia, complementation group E; Ataxia telangiectasia (A-T); LOUIS-BAR SYNDROME; Ataxia-telangiectasia, complementation group D; AT, COMPLEMENTATION GROUP C. Identifiers: Orphanet 100, MedGen C0004135, MONDO:0008840, OMIM 208900.

Submissions (3):

Ambry Genetics
Classification: Likely benign for Hereditary cancer-predisposing syndrome. Last evaluated: 2024-11-20. Review status: criteria provided, single submitter. Criteria: Ambry Variant Classification Scheme 2023. Collection method: clinical testing. Allele origin: germline.

Color Diagnostics, LLC DBA Color Health
Classification: Uncertain significance for Hereditary cancer-predisposing syndrome. Last evaluated: 2024-03-06. Review status: criteria provided, single submitter. Criteria: ACMG Guidelines, 2015. Collection method: clinical testing. Allele origin: germline.
Comment: This missense variant replaces histidine with leucine at codon 231 of the ATM protein. Computational prediction suggests that this variant may not impact protein structure and function (internally defined REVEL score threshold <= 0.5, PMID: 27666373). To our knowledge, functional studies have not been reported for this variant. This variant has not been reported in individuals affected with hereditary cancer in the literature. This variant has not been identified in the general population by the Genome Aggregation Database (gnomAD). The available evidence is insufficient to determine the role of this variant in disease conclusively. Therefore, this variant is classified as a Variant of Uncertain Significance.

Labcorp Genetics (formerly Invitae), Labcorp
Classification: Uncertain significance for Ataxia-telangiectasia syndrome. Last evaluated: 2021-08-28. Review status: criteria provided, single submitter. Criteria: Invitae Variant Classification Sherloc (09022015). Collection method: clinical testing. Allele origin: germline.
Comment: This sequence change replaces histidine with leucine at codon 231 of the ATM protein (p.His231Leu). The histidine residue is moderately conserved and there is a moderate physicochemical difference between histidine and leucine. This variant is not present in population databases (ExAC no frequency). This variant has not been reported in the literature in individuals affected with ATM-related conditions. Algorithms developed to predict the effect of missense changes on protein structure and function (SIFT, PolyPhen-2, Align-GVGD) all suggest that this variant is likely to be tolerated. In summary, the available evidence is currently insufficient to determine the role of this variant in disease. Therefore, it has been classified as a Variant of Uncertain Significance.